The following is an entry in ClinVar:

NM_001040108.2(MLH3):c.79G>A (p.Glu27Lys)

Gene: MLH3 (mutL homolog 3; minus strand). Cytogenetic location: 14q24.3.
Variant type: single nucleotide variant.
Coding change: c.79G>A on transcript NM_001040108.2 (MANE Select); coding-DNA position 79, G replaced by A.
Protein change: p.Glu27Lys; replaces glutamic acid 27 with lysine.
Molecular consequence: missense variant.
Genome position (GRCh38, 1-based): chr14:75,049,577, C>T on the plus strand (G>A on the coding strand, the complement: MLH3 is on the minus strand). VCF-style: chr14-75049577-C-T. GRCh37 (hg19) VCF-style: chr14-75516280-C-T.
Other names: c.79G>A, p.Glu27Lys (NM_014381.3); short protein forms E27K.
Identifiers: ClinVar variation 1761575 (VCV001761575.3), dbSNP rs2139614131, ClinGen allele CA390451714.

ClinVar aggregate classification (germline): Uncertain significance (1 of 4 stars; one submission).

Submission:

Ambry Genetics
Classification: Uncertain significance. Last evaluated: 2023-07-29. Review status: criteria provided, single submitter. Criteria: Ambry Variant Classification Scheme 2023. Collection method: clinical testing. Allele origin: germline.
Comment: The p.E27K variant (also known as c.79G>A), located in coding exon 1 of the MLH3 gene, results from a G to A substitution at nucleotide position 79. The glutamic acid at codon 27 is replaced by lysine, an amino acid with similar properties. This amino acid position is highly conserved in available vertebrate species. In addition, the in silico prediction for this alteration is inconclusive. Since supporting evidence is limited at this time, the clinical significance of this alteration remains unclear.